The following is an entry in ClinVar:

ClinVar aggregate classification (germline): Conflicting classifications of pathogenicity. Review status: criteria provided, conflicting classifications (1 of 4 stars). 2 submissions from 2 submitters: Likely pathogenic (1); Uncertain significance (1). Last evaluated 2023-02-23.

Conditions:
Intellectual developmental disorder, autosomal dominant 41. Also called: Intellectual disability, autosomal dominant 41. Identifiers: Orphanet 2823, MedGen C4310784, MONDO:0014842, OMIM 616944.

Submissions (2):

3billion
Classification: Uncertain significance for Intellectual developmental disorder, autosomal dominant 41. Last evaluated: 2023-02-23. Review status: criteria provided, single submitter. Criteria: ACMG Guidelines, 2015. Collection method: clinical testing. Allele origin: unknown. Affected: yes.
Comment: The variant is not observed in the gnomAD v2.1.1 dataset. Missense changes are a common disease-causing mechanism. In silico tool predictions suggest damaging effect of the variant on gene or gene product (REVEL: 0.69; 3Cnet: 0.99). Same nucleotide change resulting in same amino acid change has been previously reported to be associated with TBL1XR1 -related disorder (PMID: 32901917). However, the evidence of pathogenicity is insufficient at this time. Therefore, this variant is classified as VUS according to the recommendation of ACMG/AMP guideline.

Victorian Clinical Genetics Services, Murdoch Childrens Research Institute
Classification: Likely pathogenic for Intellectual developmental disorder, autosomal dominant 41. Last evaluated: 2021-05-06. Review status: criteria provided, single submitter. Criteria: ACMG Guidelines, 2015. Collection method: clinical testing. Allele origin: germline. Inheritance: Autosomal dominant inheritance. Affected: yes.
Comment: Based on the classification scheme VCGS_Germline_v1.3.4, this variant is classified as Likely pathogenic. Following criteria are met: 0102 - Loss of function is a known mechanism of disease in this gene and is associated with TBL1XR1-related intellectual disability (MIM#616944). (I) 0107 - This gene is associated with autosomal dominant disease. (I) 0115 - Variants in this gene are known to have variable expressivity. Several patients show different neurological phenotypes, such as intellectual disability, autism, epilepsy, schizophrenia and Rett features however, in only a few of them are dysmorphic features reported (PMID: 33527360). (I) 0200 - Variant is predicted to result in a missense amino acid change from serine to alanine. (I) 0251 - This variant is heterozygous. (I) 0301 - Variant is absent from gnomAD (both v2 and v3). (SP) 0502 - Missense variant with conflicting in silico predictions and uninformative conservation. (I) 0602 - Variant is located in a hotspot region or cluster of pathogenic variants (Exac), within the WD40 domain (NCBI). (SP) 0705 - No comparable missense variants have previous evidence for pathogenicity. (I) 0803 - This variant has limited previous evidence of pathogenicity in an individual with intellectual disability, autism, epilepsy and dysmorphic features (PMID: 32901917). (SP) 0905 - No published segregation evidence has been identified for this variant. (I) 1007 - No published functional evidence has been identified for this variant. (SP) Legend: (SP) - Supporting pathogenic, (I) - Information, (SB) - Supporting benign

Literature cited by the submitters: PubMed 32901917 (cited by 3billion and Victorian Clinical Genetics Services, Murdoch Childrens Research Institute); PubMed 33527360 (cited by Victorian Clinical Genetics Services, Murdoch Childrens Research Institute).

NM_024665.7(TBL1XR1):c.970T>G (p.Ser324Ala)

Genes: TBL1XR1 (TBL1X/Y related 1; minus strand), TBL1XR1-AS1 (TBL1XR1 antisense RNA 1; plus strand), LOC126806878 (CDK7 strongly-dependent group 2 enhancer GRCh37_chr3:176755168-176756367; plus strand). Cytogenetic location: 3q26.32.
Variant type: single nucleotide variant.
Coding change: c.970T>G on transcript NM_024665.7 (MANE Select); coding-DNA position 970, T replaced by G.
Protein change: p.Ser324Ala; replaces serine 324 with alanine.
Molecular consequence: missense variant. On other transcripts: non-coding transcript variant (1).
Genome position (GRCh38, 1-based): chr3:177,038,390, A>C on the plus strand (T>G on the coding strand, the complement: TBL1XR1 is on the minus strand). VCF-style: chr3-177038390-A-C. GRCh37 (hg19) VCF-style: chr3-176756178-A-C.
Other names: c.970T>G, p.Ser324Ala (NM_001321193.3, NM_001321194.3, NM_001374327.1 and 2 more transcripts); c.709T>G, p.Ser237Ala (NM_001321195.3, NM_001374330.1); short protein forms S237A, S324A.
Identifiers: ClinVar variation 1699151 (VCV001699151.4), dbSNP rs2108437312, ClinGen allele CA355555405.